The following is an entry in ClinVar:

ClinVar aggregate classification (germline): Pathogenic. Review status: criteria provided, multiple submitters, no conflicts (2 of 4 stars). 2 submissions from 2 submitters: Pathogenic (2). Last evaluated 2024-09-25.

Conditions:
Neurofibromatosis, type 1 (NF1). Also called: Neurofibromatosis, type I; Peripheral type neurofibromatosis; VON RECKLINGHAUSEN DISEASE; NEUROFIBROMATOSIS, TYPE I, SOMATIC. Identifiers: Orphanet 636, MedGen C0027831, MONDO:0018975, OMIM 162200. Disease mechanism: loss of function.
Cardiovascular phenotype. Identifiers: MedGen CN230736.
Hereditary cancer-predisposing syndrome. Also called: Hereditary neoplastic syndrome; Hereditary Cancer Syndrome; Tumor predisposition; Neoplastic Syndromes, Hereditary. Identifiers: Orphanet 140162, MedGen C0027672, MeSH D009386, MONDO:0015356.

Submissions (2):

Labcorp Genetics (formerly Invitae), Labcorp
Classification: Pathogenic for Neurofibromatosis, type 1. Last evaluated: 2024-09-25. Review status: criteria provided, single submitter. Criteria: Invitae Variant Classification Sherloc (09022015). Collection method: clinical testing. Allele origin: germline.
Comment: This sequence change creates a premature translational stop signal (p.Val744Cysfs*24) in the NF1 gene. It is expected to result in an absent or disrupted protein product. Loss-of-function variants in NF1 are known to be pathogenic (PMID: 10712197, 23913538). This variant is not present in population databases (gnomAD no frequency). This premature translational stop signal has been observed in individual(s) with clinical features of NF1-related conditions (PMID: 21520333). ClinVar contains an entry for this variant (Variation ID: 968211). For these reasons, this variant has been classified as Pathogenic.

Ambry Genetics
Classification: Pathogenic for Cardiovascular phenotype; Hereditary cancer-predisposing syndrome. Last evaluated: 2024-02-14. Review status: criteria provided, single submitter. Criteria: Ambry Variant Classification Scheme 2023. Collection method: clinical testing. Allele origin: germline.
Comment: The c.2229dupT variant, located in coding exon 18 of the NF1 gene, results from a duplication of T at nucleotide position 2229, causing a translational frameshift with a predicted alternate stop codon (p.V744Cfs*24). This variant is considered to be rare based on population cohorts in the Genome Aggregation Database (gnomAD). This alteration is expected to result in loss of function by premature protein truncation or nonsense-mediated mRNA decay. As such, this alteration is interpreted as a disease-causing mutation.

Literature cited by the submitters: PubMed 10712197 (cited by Labcorp Genetics (formerly Invitae), Labcorp); PubMed 23913538 (cited by Labcorp Genetics (formerly Invitae), Labcorp); PubMed 21520333 (cited by Labcorp Genetics (formerly Invitae), Labcorp).

NM_001042492.3(NF1):c.2229dup (p.Val744fs)

Gene: NF1 (neurofibromin 1; plus strand). Cytogenetic location: 17q11.2.
Variant type: Duplication.
Coding change: c.2229dup on transcript NM_001042492.3 (MANE Select); coding-DNA position 2229, one base duplicated (T; older notation c.2229dupT).
Protein change: p.Val744fs; shifts the reading frame from valine 744.
Molecular consequence: frameshift variant.
Genome position (GRCh38, 1-based): chr17:31,226,662, T duplicated. VCF-style (leftmost placement, unchanged base first): chr17-31226661-C-CT. GRCh37 (hg19) VCF-style: chr17-29553679-C-CT.
Other names: c.2229dupT (NM_000267.3); c.2229dup, p.Val744Cysfs (NM_000267.4); short protein forms V744fs.
Identifiers: ClinVar variation 968211 (VCV000968211.5), dbSNP rs2067020544, ClinGen allele CA1139665422.